The following is an entry in ClinVar:

ClinVar aggregate classification (germline): Uncertain significance (1 of 4 stars; one submission).

Conditions:
Cholestanol storage disease (CTX). Also called: Cerebrotendinous Xanthomatosis; CTX: Cerebrotendinous xanthomatosis; CEREBRAL CHOLESTERINOSIS. Identifiers: Orphanet 909, MedGen C0238052, MONDO:0008948, OMIM 213700.

Submission:

Labcorp Genetics (formerly Invitae), Labcorp
Classification: Uncertain significance for Cholestanol storage disease. Last evaluated: 2023-10-13. Review status: criteria provided, single submitter. Criteria: Invitae Variant Classification Sherloc (09022015). Collection method: clinical testing. Allele origin: germline.
Comment: This sequence change replaces valine, which is neutral and non-polar, with alanine, which is neutral and non-polar, at codon 399 of the CYP27A1 protein (p.Val399Ala). This variant is not present in population databases (gnomAD no frequency). This variant has not been reported in the literature in individuals affected with CYP27A1-related conditions. ClinVar contains an entry for this variant (Variation ID: 1499623). Advanced modeling of protein sequence and biophysical properties (such as structural, functional, and spatial information, amino acid conservation, physicochemical variation, residue mobility, and thermodynamic stability) performed at Invitae indicates that this missense variant is not expected to disrupt CYP27A1 protein function. In summary, the available evidence is currently insufficient to determine the role of this variant in disease. Therefore, it has been classified as a Variant of Uncertain Significance.

NM_000784.4(CYP27A1):c.1196T>C (p.Val399Ala)

Gene: CYP27A1 (cytochrome P450 family 27 subfamily A member 1; plus strand). Cytogenetic location: 2q35.
Variant type: single nucleotide variant.
Coding change: c.1196T>C on transcript NM_000784.4 (MANE Select); coding-DNA position 1196, T replaced by C.
Protein change: p.Val399Ala; replaces valine 399 with alanine.
Molecular consequence: missense variant.
Genome position (GRCh38, 1-based): chr2:218,814,391, T>C. VCF-style: chr2-218814391-T-C. GRCh37 (hg19) VCF-style: chr2-219679114-T-C.
Other names: short protein forms V399A.
Identifiers: ClinVar variation 1499623 (VCV001499623.8), dbSNP rs2105981055, ClinGen allele CA350593010.
Genomic context (GRCh38, chr2:218,814,391, plus strand): 5'-TGTACCCCCATGAATCCAGAGCAGACTCCAGACATTCTTTTCCCTGCAGTCTCTACCCTG[T>C]GGTCCCCACAAACTCCCGGATCATAGAAAAGGAAATTGAAGTTGATGGCTTCCTCTTCCC-3'
Protein context (NP_000775.1, residues 389-409): VLKETLRLYP[Val399Ala]VPTNSRIIEK